The following is an entry in ClinVar:

NM_022124.6(CDH23):c.3481C>T (p.Arg1161Ter)

Genes: C10orf105 (chromosome 10 open reading frame 105; minus strand), CDH23 (cadherin related 23; plus strand). Cytogenetic location: 10q22.1.
Variant type: single nucleotide variant.
Coding change: c.3481C>T on transcript NM_022124.6 (MANE Select); coding-DNA position 3481, C replaced by T.
Protein change: p.Arg1161Ter; replaces arginine 1161 with a stop codon.
Molecular consequence: nonsense. On other transcripts: intron variant (1).
Genome position (GRCh38, 1-based): chr10:71,725,422, C>T. VCF-style: chr10-71725422-C-T. GRCh37 (hg19) VCF-style: chr10-73485179-C-T.
Other names: c.3481C>T, p.Arg1161Ter (NM_001171930.2); c.-5-9080G>A (NM_001168390.2); short protein forms R1161*.
Identifiers: ClinVar variation 45920 (VCV000045920.16), dbSNP rs397517323, ClinGen allele CA261776.
Genomic context (GRCh38, chr10:71,725,422, plus strand): 5'-CTCCACACAGGTAACCATGGCAACAACTTCCGGATCCATGTCAGCAATGGGCTCCTGATG[C>T]GAGGGCCCCGGCCCCTGGACCGGGAGCGGAACTCATCCCACGTGCTGATAGTGGAGGCCT-3'

ClinVar aggregate classification (germline): Pathogenic. Review status: criteria provided, multiple submitters, no conflicts (2 of 4 stars). 6 submissions from 6 submitters: Pathogenic (4). 2 of the submissions do not count toward it. Last evaluated 2023-12-16.

Conditions:
Rare genetic deafness. Identifiers: Orphanet 96210, MedGen C5680250.
CDH23-related disorder. Also called: CDH23-related disorders; CDH23-related condition.
Pituitary adenoma 5, multiple types. Identifiers: MedGen C4539685, MONDO:0054601, OMIM 617540.
Autosomal recessive nonsyndromic hearing loss 12. Also called: DEAFNESS, AUTOSOMAL RECESSIVE 12. Identifiers: Orphanet 90636, MedGen C1832394, MONDO:0011067, OMIM 601386.
Hearing loss, autosomal recessive. Also called: Rare autosomal recessive non-syndromic sensorineural deafness type DFNB; Deafness, autosomal recessive; Autosomal recessive nonsyndromic deafness; Nonsyndromic Hearing Loss, Recessive. Identifiers: Orphanet 90635, Orphanet 90636, MedGen C1846647, MONDO:0019588, OMIM 607197.

Allele frequency attached by ClinVar (database versions not stated): TOPMed below 0.00001.
gnomAD v4.1: 4 of 1,614,012 alleles (0.00025%); highest among the groups gnomAD compares: Admixed American, 0.0017%; no homozygotes.

Submissions (6):

Baylor Genetics
Classification: Pathogenic for Pituitary adenoma 5, multiple types. Last evaluated: 2023-12-16. Review status: criteria provided, single submitter. Criteria: ACMG Guidelines, 2015. Collection method: clinical testing. Allele origin: unknown.

Labcorp Genetics (formerly Invitae), Labcorp
Classification: Pathogenic. Last evaluated: 2023-01-13. Review status: criteria provided, single submitter. Criteria: Invitae Variant Classification Sherloc (09022015). Collection method: clinical testing. Allele origin: germline.
Comment: For these reasons, this variant has been classified as Pathogenic. ClinVar contains an entry for this variant (Variation ID: 45920). This premature translational stop signal has been observed in individual(s) with Usher syndrome (PMID: 16679490). This variant is not present in population databases (gnomAD no frequency). This sequence change creates a premature translational stop signal (p.Arg1161*) in the CDH23 gene. It is expected to result in an absent or disrupted protein product. Loss-of-function variants in CDH23 are known to be pathogenic (PMID: 11138009, 21940737).

3billion
Classification: Pathogenic for Autosomal recessive nonsyndromic hearing loss 12. Last evaluated: 2022-09-01. Review status: criteria provided, single submitter. Criteria: ACMG Guidelines, 2015. Collection method: clinical testing. Allele origin: germline. Affected: yes. Observed: 1 heterozygote.
Comment: The variant is not observed in the gnomAD v2.1.1 dataset. Stop-gained (nonsense) is predicted to result in a loss or disruption of normal protein function through nonsense-mediated decay (NMD) or protein truncation. Multiple pathogenic variants are reported downstream of the variant. The variant has been reported to be associated with CDH23-related disorder (ClinVar ID: VCV000045920 / PMID: 16679490). Therefore, this variant is classified as Pathogenic according to the recommendation of ACMG/AMP guideline.

Blueprint Genetics
Classification: Pathogenic for CDH23-related disorders. Last evaluated: 2019-06-19. Review status: criteria provided, single submitter. Criteria: ACMG Guidelines, 2015. Collection method: clinical testing. Allele origin: germline. Affected: yes. Observed: 1 variant allele.

Laboratory for Molecular Medicine, Mass General Brigham Personalized Medicine
Classification: Pathogenic for Rare genetic deafness. Last evaluated: 2011-12-15. Review status: no assertion criteria provided. Collection method: clinical testing. Allele origin: germline. Inheritance: Autosomal recessive inheritance. Observed: 3 variant alleles. Not counted in ClinVar's aggregate classification.
Comment: The p.Arg1161X variant in CDH23 has been reported in the homozygous state in one individual with Usher syndrome (Roux 2006). The p.Arg11 61X variant leads to a premature stop codon at position 1161, which is predicted to lead to a truncated or absent protein. In summary, this variant meets our cr iteria to be classified as pathogenic for Usher syndrome in an autosomal recessi ve manner.

University of Washington Center for Mendelian Genomics, University of Washington
Classification: Likely pathogenic for non-syndromic autosomal recessive hearing loss. Review status: no assertion criteria provided. Collection method: research. Allele origin: inherited. Affected: yes. Not counted in ClinVar's aggregate classification.

Literature cited by the submitters: PubMed 16679490 (cited by 3 submitters); PubMed 11138009 (cited by Labcorp Genetics (formerly Invitae), Labcorp); PubMed 21940737 (cited by Labcorp Genetics (formerly Invitae), Labcorp); PubMed 30303587 (cited by University of Washington Center for Mendelian Genomics, University of Washington).